The following is an entry in ClinVar:

NM_002474.3(MYH11):c.1148A>G (p.His383Arg)

Gene: MYH11 (myosin heavy chain 11; minus strand). Cytogenetic location: 16p13.11.
Variant type: single nucleotide variant.
Coding change: c.1148A>G on transcript NM_002474.3 (MANE Select); coding-DNA position 1148, A replaced by G.
Protein change: p.His383Arg; replaces histidine 383 with arginine.
Molecular consequence: missense variant.
Genome position (GRCh38, 1-based): chr16:15,760,640, T>C on the plus strand (A>G on the coding strand, the complement: MYH11 is on the minus strand). VCF-style: chr16-15760640-T-C. GRCh37 (hg19) VCF-style: chr16-15854497-T-C.
Other names: c.1169A>G, p.His390Arg (NM_001040113.2, NM_001040114.2); c.1148A>G, p.His383Arg (NM_022844.3); short protein forms H383R, H390R.
Identifiers: ClinVar variation 3387245 (VCV003387245.1).

ClinVar aggregate classification (germline): Uncertain significance (1 of 4 stars; one submission).

Conditions:
Familial thoracic aortic aneurysm and aortic dissection (TAAD). Also called: Thoracic aortic aneurysms and dissections. Identifiers: Orphanet 91387, MedGen C4707243, MONDO:0019625.

Submission:

All of Us Research Program, National Institutes of Health
Classification: Uncertain significance for Familial thoracic aortic aneurysm and aortic dissection. Last evaluated: 2024-04-25. Review status: criteria provided, single submitter. Criteria: ACMG Guidelines, 2015. Collection method: clinical testing. Allele origin: germline. Inheritance: Autosomal dominant inheritance. Observed: 1 variant allele, 1 heterozygote.
Comment: This missense variant replaces histidine with arginine at codon 390 of the MYH11 protein. Computational prediction suggests that this variant may have deleterious impact on protein structure and function (internally defined REVEL score threshold >= 0.7, PMID: 27666373). To our knowledge, functional studies have not been reported for this variant. This variant has not been reported in individuals affected with MYH11-related disorders in the literature. This variant has not been identified in the general population by the Genome Aggregation Database (gnomAD). The available evidence is insufficient to determine the role of this variant in disease conclusively. Therefore, this variant is classified as a Variant of Uncertain Significance.

This study involves interpretation of variants in research participants for the purpose of population health screening. Participant phenotype was not available at the time of variant classification. Additional details can be found in publication PMID: 35346344, PMCID: PMC8962531